The following is an entry in ClinVar:

ClinVar aggregate classification (germline): Likely pathogenic. Review status: criteria provided, single submitter (1 of 4 stars). 2 submissions from 2 submitters: Likely pathogenic (1). 1 of the submissions does not count toward it. Last evaluated 2016-11-11.

Conditions:
Complex cortical dysplasia with other brain malformations 7. Identifiers: Orphanet 300573, MedGen C3552236, MONDO:0012399, OMIM 610031.

Submissions (2):

GeneDx
Classification: Likely pathogenic. Last evaluated: 2016-11-11. Review status: criteria provided, single submitter. Criteria: GeneDx Variant Classification (06012015). Collection method: clinical testing. Allele origin: germline. Affected: yes.
Comment: The L117P variant in the TUBB2B gene has previously been reported in at least one patient with polymicrogyria (Guerrini et al., 2012). This variant was not observed in approximately 6,400 individuals of European and African American ancestry in the NHLBI Exome Sequencing Project, indicating it is not a common benign variant in these populations. The L117P variant is a semi-conservative amino acid substitution, which may impact secondary protein structure as these residues differ in some properties. This substitution occurs at a position that is conserved across species, and in silico analysis predicts this variant is probably damaging to the protein structure/function. The L117P variant is a strong candidate for a pathogenic variant.

OMIM
Classification: Pathogenic for CORTICAL DYSPLASIA, COMPLEX, WITH OTHER BRAIN MALFORMATIONS 7. Last evaluated: 2012-09-01. Review status: no assertion criteria provided. Collection method: literature only. Allele origin: germline. Not counted in ClinVar's aggregate classification.

Literature cited by the submitters: PubMed 22333901 (cited by OMIM).

NM_178012.5(TUBB2B):c.350T>C (p.Leu117Pro)

Gene: TUBB2B (tubulin beta 2B class IIb; minus strand). Cytogenetic location: 6p25.2.
Variant type: single nucleotide variant.
Coding change: c.350T>C on transcript NM_178012.5 (MANE Select); coding-DNA position 350, T replaced by C.
Protein change: p.Leu117Pro; replaces leucine 117 with proline.
Molecular consequence: missense variant.
Genome position (GRCh38, 1-based): chr6:3,225,739, A>G on the plus strand (T>C on the coding strand, the complement: TUBB2B is on the minus strand). VCF-style: chr6-3225739-A-G. GRCh37 (hg19) VCF-style: chr6-3225973-A-G.
Other names: short protein forms L117P.
Identifiers: ClinVar variation 39722 (VCV000039722.3), dbSNP rs397514569, ClinGen allele CA250742.